The following is an entry in ClinVar:

ClinVar aggregate classification (germline): Conflicting classifications of pathogenicity. Review status: criteria provided, conflicting classifications (1 of 4 stars). 8 submissions from 8 submitters: Uncertain significance (1); Benign (6); Likely benign (1). Last evaluated 2026-01-23.

Conditions:
Inborn genetic diseases. Identifiers: MedGen C0950123, MeSH D030342.
Thrombocytopenia 2 (THC2). Also called: ANKRD26-Related Thrombocytopenia. Identifiers: Orphanet 268322, MedGen C1861185, MONDO:0008555, OMIM 188000.

Allele frequency attached by ClinVar (database versions not stated): TOPMed 0.00008; ESP Exome Variant Server 0.00017; 1000 Genomes Project 30x 0.00265; 1000 Genomes Project 0.00280.
gnomAD v4.1: 919 of 1,610,330 alleles (0.057%); highest among the groups gnomAD compares: South Asian, 0.94%; 14 homozygotes.

Submissions (8):

Labcorp Genetics (formerly Invitae), Labcorp
Classification: Benign. Last evaluated: 2026-01-23. Review status: criteria provided, single submitter. Criteria: Invitae Variant Classification Sherloc (09022015). Collection method: clinical testing. Allele origin: germline.

Mayo Clinic Laboratories, Mayo Clinic
Classification: Benign. Last evaluated: 2024-12-11. Review status: criteria provided, single submitter. Criteria: ACMG Guidelines, 2015. Collection method: clinical testing. Allele origin: germline. Observed: 2 variant alleles.
Comment: BS1, BS2, BP4_moderate

Blueprint Genetics
Classification: Likely benign. Last evaluated: 2024-11-18. Review status: criteria provided, single submitter. Criteria: ACMG Guidelines, 2015. Collection method: clinical testing. Allele origin: germline.

Ambry Genetics
Classification: Uncertain significance for Inborn genetic diseases. Last evaluated: 2024-11-12. Review status: criteria provided, single submitter. Criteria: Ambry Variant Classification Scheme 2023. Collection method: clinical testing. Allele origin: germline.

Genome-Nilou Lab
Classification: Benign for Thrombocytopenia 2. Last evaluated: 2021-12-05. Review status: criteria provided, single submitter. Criteria: ACMG Guidelines, 2015. Collection method: clinical testing. Allele origin: germline. Affected: no.

Illumina Laboratory Services, Illumina
Classification: Benign for Thrombocytopenia 2. Last evaluated: 2018-01-12. Review status: criteria provided, single submitter. Criteria: ICSL Variant Classification Criteria 13 December 2019. Collection method: clinical testing. Allele origin: germline.
Comment: This variant was observed in the ICSL laboratory as part of a predisposition screen in an ostensibly healthy population. It had not been previously curated by ICSL or reported in the Human Gene Mutation Database (HGMD: prior to June 1st, 2018), and was therefore a candidate for classification through an automated scoring system. Utilizing variant allele frequency, disease prevalence and penetrance estimates, and inheritance mode, an automated score was calculated to assess if this variant is too frequent to cause the disease. Based on the score and internal cut-off values, a variant classified as benign is not then subjected to further curation. The score for this variant resulted in a classification of benign for this disease.

Genetic Services Laboratory, University of Chicago
Classification: Benign. Last evaluated: 2017-12-05. Review status: criteria provided, single submitter. Criteria: ACMG Guidelines, 2015. Collection method: clinical testing. Allele origin: germline. Affected: no.

Breakthrough Genomics
Classification: Benign. Review status: criteria provided, single submitter. Criteria: ACMG Guidelines, 2015. Collection method: not provided. Allele origin: germline. Inheritance: Autosomal dominant inheritance. Affected: yes.

NM_014915.3(ANKRD26):c.1571A>G (p.His524Arg)

Gene: ANKRD26 (ankyrin repeat domain 26; minus strand). Cytogenetic location: 10p12.1.
Variant type: single nucleotide variant.
Coding change: c.1571A>G on transcript NM_014915.3 (MANE Select); coding-DNA position 1571, A replaced by G.
Protein change: p.His524Arg; replaces histidine 524 with arginine.
Molecular consequence: missense variant.
Genome position (GRCh38, 1-based): chr10:27,053,384, T>C on the plus strand (A>G on the coding strand, the complement: ANKRD26 is on the minus strand). VCF-style: chr10-27053384-T-C. GRCh37 (hg19) VCF-style: chr10-27342313-T-C.
Other names: p.His524Arg; c.1571A>G, p.His524Arg (NM_001256053.2); short protein forms H524R.
Identifiers: ClinVar variation 210182 (VCV000210182.18), dbSNP rs199656285, ClinGen allele CA205480.
Genomic context (GRCh38, chr10:27,053,384, plus strand): 5'-GGCTGGTTATTTTCACTCCCTTCCCTTTCTTGCTCTTCTTCTGATGCTACTTCTAAGTCA[T>C]GTTCAGCTGAAAAAATCCAAATATTTAGTTTAATGAACTACTTAGAACAGTTAGGTAAAA-3'
Protein context (NP_055730.2, residues 514-534): KDVQTSKAAE[His524Arg]DLEVASEEEQ